The following is an entry in ClinVar:

ClinVar aggregate classification (germline): Likely pathogenic (1 of 4 stars; one submission).

Conditions:
Intellectual developmental disorder, autosomal recessive 43. Also called: Intellectual disability, autosomal recessive 43. Identifiers: Orphanet 88616, MedGen C4014386, MONDO:0014354, OMIM 615817.

gnomAD v4.1: 5 of 1,585,256 alleles (0.00032%); highest among the groups gnomAD compares: East Asian, 0.0022%; no homozygotes.

Submission:

First Genomix Gene Laboratory, Genetic Diagnostics Department
Classification: Likely pathogenic for Intellectual developmental disorder, autosomal recessive 43. Last evaluated: 2025-03-19. Review status: criteria provided, single submitter. Criteria: ACMG Guidelines, 2015. Collection method: clinical testing. Allele origin: germline. Inheritance: Autosomal recessive inheritance. Affected: no. Observed: 1 variant allele.

NM_015275.3(WASHC4):c.2611C>T (p.Arg871Ter)

Gene: WASHC4 (WASH complex subunit 4; plus strand). Cytogenetic location: 12q23.3.
Variant type: single nucleotide variant.
Coding change: c.2611C>T on transcript NM_015275.3 (MANE Select); coding-DNA position 2611, C replaced by T.
Protein change: p.Arg871Ter; replaces arginine 871 with a stop codon.
Molecular consequence: nonsense.
Genome position (GRCh38, 1-based): chr12:105,149,711, C>T. VCF-style: chr12-105149711-C-T. GRCh37 (hg19) VCF-style: chr12-105543489-C-T.
Other names: c.2614C>T, p.Arg872Ter (NM_001293640.2); short protein forms R871*, R872*.
Identifiers: ClinVar variation 4845761 (VCV004845761.1).
Genomic context (GRCh38, chr12:105,149,711, plus strand): 5'-TATATATTTAGCCAATTTATGTATGATGAACACATCAAATCCAGATTGATTAAAGATATT[C>T]GATTTTTCAGGGAAATTAAGGACCAAAATGATCATAAGGTAGGCTACCTATTCTTTTTAA-3'